The following is an entry in ClinVar:

NM_080425.4(GNAS):c.1055C>G (p.Pro352Arg)

Gene: GNAS (GNAS complex locus; plus strand). Cytogenetic location: 20q13.32.
Variant type: single nucleotide variant.
Coding change: c.1055C>G on transcript NM_080425.4 (MANE Plus Clinical); coding-DNA position 1055, C replaced by G.
Protein change: p.Pro352Arg; replaces proline 352 with arginine.
Molecular consequence: missense variant. On other transcripts: intron variant (3).
Genome position (GRCh38, 1-based): chr20:58,854,320, C>G. VCF-style: chr20-58854320-C-G. GRCh37 (hg19) VCF-style: chr20-57429375-C-G.
Other names: c.868C>G, p.Pro290Ala (NM_001077490.3, NM_001309883.1); c.1055C>G, p.Pro352Arg (NM_001410913.1); c.*42+13434C>G (NM_016592.5); c.43+13434C>G (NM_001410912.1); c.-39+12445C>G (NM_001309861.2); short protein forms P290A, P352R.
Identifiers: ClinVar variation 3352536 (VCV003352536.1).

ClinVar aggregate classification (germline): Uncertain significance (0 of 4 stars; one submission).

Conditions:
GNAS-related disorder. Identifiers: MedGen CN380105.

Submission:

PreventionGenetics, part of Exact Sciences
Classification: Uncertain significance for GNAS-related condition. Last evaluated: 2023-10-24. Review status: no assertion criteria provided. Collection method: clinical testing. Allele origin: germline.
Comment: The GNAS c.1055C>G variant is predicted to result in the amino acid substitution p.Pro352Arg. Of note, in the more commonly reported transcript (NM_000516.7) this variant is pre-coding (c.-37407C>G). To our knowledge, this variant has not been reported in the literature or in a large population database, indicating this variant is rare. At this time, the clinical significance of this variant is uncertain due to the absence of conclusive functional and genetic evidence.